The following is an entry in ClinVar:

ClinVar aggregate classification (germline): Pathogenic (1 of 4 stars; one submission).

Conditions:
Alstrom syndrome (ALMS). Identifiers: Orphanet 64, MedGen C0268425, MONDO:0008763, OMIM 203800.

Submission:

Labcorp Genetics (formerly Invitae), Labcorp
Classification: Pathogenic for Alstrom syndrome. Last evaluated: 2023-03-12. Review status: criteria provided, single submitter. Criteria: Invitae Variant Classification Sherloc (09022015). Collection method: clinical testing. Allele origin: germline.
Comment: ClinVar contains an entry for this variant (Variation ID: 2098564). For these reasons, this variant has been classified as Pathogenic. This variant has not been reported in the literature in individuals affected with ALMS1-related conditions. This variant is not present in population databases (gnomAD no frequency). This sequence change creates a premature translational stop signal (p.Ser650*) in the ALMS1 gene. It is expected to result in an absent or disrupted protein product. Loss-of-function variants in ALMS1 are known to be pathogenic (PMID: 17594715).

Literature cited by the submitters: PubMed 17594715.

NM_001378454.1(ALMS1):c.1946C>G (p.Ser649Ter)

Gene: ALMS1 (ALMS1 centrosome and basal body associated protein; plus strand). Cytogenetic location: 2p13.1.
Variant type: single nucleotide variant.
Coding change: c.1946C>G on transcript NM_001378454.1 (MANE Select); coding-DNA position 1946, C replaced by G.
Protein change: p.Ser649Ter; replaces serine 649 with a stop codon.
Molecular consequence: nonsense.
Genome position (GRCh38, 1-based): chr2:73,448,473, C>G. VCF-style: chr2-73448473-C-G. GRCh37 (hg19) VCF-style: chr2-73675600-C-G.
Other names: c.1949C>G, p.Ser650Ter (NM_015120.4); short protein forms S650*, S649*.
Identifiers: ClinVar variation 2098564 (VCV002098564.4), dbSNP rs2466092881, ClinGen allele CA347265891.